The following is an entry in ClinVar:

NM_000038.6(APC):c.819T>G (p.Thr273=)

Gene: APC (APC regulator of Wnt signaling pathway; plus strand). Cytogenetic location: 5q22.2.
Variant type: single nucleotide variant.
Coding change: c.819T>G on transcript NM_000038.6 (MANE Select); coding-DNA position 819, T replaced by G.
Protein change: p.Thr273=; no amino-acid change (threonine 273 retained).
Molecular consequence: synonymous variant. On other transcripts: 5 prime UTR variant (4), non-coding transcript variant (2).
Genome position (GRCh38, 1-based): chr5:112,801,368, T>G. VCF-style: chr5-112801368-T-G. GRCh37 (hg19) VCF-style: chr5-112137065-T-G.
Other names: c.819T>G, p.Thr273= (NM_001127510.3, NM_001354895.2, NM_001354896.2 and 12 more transcripts); c.765T>G, p.Thr255= (NM_001127511.3); c.849T>G, p.Thr283= (NM_001354897.2, NM_001354902.2, NM_001407446.1); c.744T>G, p.Thr248= (NM_001354898.2, NM_001354904.2, NM_001407451.1); c.735T>G, p.Thr245= (NM_001354899.2, NM_001407452.1, NM_001407467.1 and 1 more transcripts); c.642T>G, p.Thr214= (NM_001354900.2, NM_001354901.2, NM_001354905.2 and 1 more transcripts); c.-217T>G (NM_001354906.2, NM_001407470.1, NM_001407471.1 and 1 more transcripts).
Identifiers: ClinVar variation 3148018 (VCV003148018.1), dbSNP rs2149712412, ClinGen allele CA445755650.

ClinVar aggregate classification (germline): Benign (1 of 4 stars; one submission).

Conditions:
Familial adenomatous polyposis 1 (FAP1). Also called: POLYPOSIS, ADENOMATOUS INTESTINAL; FAMILIAL ADENOMATOUS POLYPOSIS 1, ATTENUATED. Identifiers: MedGen C2713442, MONDO:0021056, OMIM 175100. Disease mechanism: loss of function.

Submission:

Myriad Genetics, Inc.
Classification: Benign for Familial adenomatous polyposis 1. Last evaluated: 2024-02-27. Review status: criteria provided, single submitter. Criteria: Myriad Autosomal Dominant, Autosomal Recessive and X-Linked Classification Criteria (2023). Collection method: clinical testing. Allele origin: unknown.
Comment: This variant is considered benign. This variant is a silent/synonymous amino acid change and it is not expected to impact splicing.